The following is an entry in ClinVar:

ClinVar aggregate classification (germline): Uncertain significance (1 of 4 stars; one submission).

Conditions:
Epileptic encephalopathy. Identifiers: MedGen C0543888, HP:0200134.

Allele frequency attached by ClinVar (database versions not stated): ExAC 0.00001; gnomAD 0.00001; gnomAD exomes 0.00001; TOPMed 0.00004.
gnomAD v4.1: 21 of 1,613,752 alleles (0.0013%); highest among the groups gnomAD compares: Admixed American, 0.0067%; no homozygotes.

Submission:

Labcorp Genetics (formerly Invitae), Labcorp
Classification: Uncertain significance for Epileptic encephalopathy. Last evaluated: 2020-07-31. Review status: criteria provided, single submitter. Criteria: Invitae Variant Classification Sherloc (09022015). Collection method: clinical testing. Allele origin: germline.
Comment: In summary, the available evidence is currently insufficient to determine the role of this variant in disease. Therefore, it has been classified as a Variant of Uncertain Significance. This sequence change replaces isoleucine with valine at codon 358 of the RYR3 protein (p.Ile358Val). The isoleucine residue is weakly conserved and there is a small physicochemical difference between isoleucine and valine. This variant is present in population databases (rs757011633, ExAC no frequency). This variant has not been reported in the literature in individuals with RYR3-related conditions. ClinVar contains an entry for this variant (Variation ID: 575070). Algorithms developed to predict the effect of missense changes on protein structure and function output the following: SIFT: "Tolerated"; PolyPhen-2: "Benign"; Align-GVGD: "Class C0". The valine amino acid residue is found in multiple mammalian species, suggesting that this missense change does not adversely affect protein function. These predictions have not been confirmed by published functional studies and their clinical significance is uncertain.

NM_001036.6(RYR3):c.1072A>G (p.Ile358Val)

Gene: RYR3 (ryanodine receptor 3; plus strand). Cytogenetic location: 15q14.
Variant type: single nucleotide variant.
Coding change: c.1072A>G on transcript NM_001036.6 (MANE Select); coding-DNA position 1072, A replaced by G.
Protein change: p.Ile358Val; replaces isoleucine 358 with valine.
Molecular consequence: missense variant.
Genome position (GRCh38, 1-based): chr15:33,562,936, A>G. VCF-style: chr15-33562936-A-G. GRCh37 (hg19) VCF-style: chr15-33855137-A-G.
Other names: c.1072A>G, p.Ile358Val (NM_001243996.4); short protein forms I358V.
Identifiers: ClinVar variation 575070 (VCV000575070.10), dbSNP rs757011633, ClinGen allele CA7458009.